The following is an entry in ClinVar:

ClinVar aggregate classification (germline): Conflicting classifications of pathogenicity. Review status: criteria provided, conflicting classifications (1 of 4 stars). 3 submissions from 3 submitters: Uncertain significance (2); Likely benign (1). Last evaluated 2024-03-04.

Conditions:
Ornithine aminotransferase deficiency (GACR). Also called: OKT DEFICIENCY; HYPERORNITHINEMIA WITH GYRATE ATROPHY OF CHOROID AND RETINA; Ornithine ketoacid aminotransferase deficiency; Gyrate atrophy; Gyrate atrophy of choroid and retina; Girate atrophy of the retina. Identifiers: Orphanet 414, MedGen C0018425, MONDO:0009796, OMIM 258870.
Inborn genetic diseases. Identifiers: MedGen C0950123, MeSH D030342.

Allele frequency attached by ClinVar (database versions not stated): ExAC 0.00006; gnomAD exomes 0.00006; ESP Exome Variant Server 0.00008; gnomAD 0.00013; 1000 Genomes Project 30x 0.00016; 1000 Genomes Project 0.00020; TOPMed 0.00020.
gnomAD v4.1: 65 of 1,612,302 alleles (0.004%); highest among the groups gnomAD compares: African/African-American, 0.075%; no homozygotes.

Submissions (3):

Blueprint Genetics
Classification: Likely benign. Last evaluated: 2024-03-04. Review status: criteria provided, single submitter. Criteria: ACMG Guidelines, 2015. Collection method: clinical testing. Allele origin: germline.

Labcorp Genetics (formerly Invitae), Labcorp
Classification: Uncertain significance for Ornithine aminotransferase deficiency. Last evaluated: 2024-01-24. Review status: criteria provided, single submitter. Criteria: Invitae Variant Classification Sherloc (09022015). Collection method: clinical testing. Allele origin: germline.
Comment: This sequence change replaces valine, which is neutral and non-polar, with isoleucine, which is neutral and non-polar, at codon 119 of the OAT protein (p.Val119Ile). This variant is present in population databases (rs150939128, gnomAD 0.07%). This variant has not been reported in the literature in individuals affected with OAT-related conditions. ClinVar contains an entry for this variant (Variation ID: 567900). Advanced modeling of protein sequence and biophysical properties (such as structural, functional, and spatial information, amino acid conservation, physicochemical variation, residue mobility, and thermodynamic stability) performed at Invitae indicates that this missense variant is not expected to disrupt OAT protein function with a negative predictive value of 80%. In summary, the available evidence is currently insufficient to determine the role of this variant in disease. Therefore, it has been classified as a Variant of Uncertain Significance.

Ambry Genetics
Classification: Uncertain significance for Inborn genetic diseases. Last evaluated: 2021-08-09. Review status: criteria provided, single submitter. Criteria: Ambry Variant Classification Scheme 2023. Collection method: clinical testing. Allele origin: germline.

NM_000274.4(OAT):c.355G>A (p.Val119Ile)

Gene: OAT (ornithine aminotransferase; minus strand). Cytogenetic location: 10q26.13.
Variant type: single nucleotide variant.
Coding change: c.355G>A on transcript NM_000274.4 (MANE Select); coding-DNA position 355, G replaced by A.
Protein change: p.Val119Ile; replaces valine 119 with isoleucine.
Molecular consequence: missense variant. On other transcripts: 5 prime UTR variant (2), intron variant (1).
Genome position (GRCh38, 1-based): chr10:124,408,810, C>T on the plus strand (G>A on the coding strand, the complement: OAT is on the minus strand). VCF-style: chr10-124408810-C-T. GRCh37 (hg19) VCF-style: chr10-126097379-C-T.
Other names: c.-60G>A (NM_001171814.2); c.355G>A, p.Val119Ile (NM_001322965.2, NM_001322966.2, NM_001322967.2 and 3 more transcripts); c.-360G>A (NM_001322974.2); c.199+3163G>A (NM_001322971.2); short protein forms V119I.
Identifiers: ClinVar variation 567900 (VCV000567900.6), dbSNP rs150939128, ClinGen allele CA5733552.